The following is an entry in ClinVar:

ClinVar aggregate classification (germline): Uncertain significance (1 of 4 stars; one submission).

Conditions:
Familial cold autoinflammatory syndrome 4 (FCAS4). Identifiers: Orphanet 47045, Orphanet 576349, MedGen C4015276, MONDO:0014498, OMIM 616115.
Periodic fever-infantile enterocolitis-autoinflammatory syndrome. Also called: Autoinflammation with infantile enterocolitis. Identifiers: Orphanet 436166, MedGen C4015067, MONDO:0014472, OMIM 616050.

Allele frequency attached by ClinVar (database versions not stated): gnomAD 0.00001 and 0.00002; gnomAD exomes 0.00001 and 0.00002; 1000 Genomes Project 30x 0.00016; 1000 Genomes Project 0.00020; ExAC 0.00002.
gnomAD v4.1: 26 of 1,614,086 alleles (0.0016%); highest among the groups gnomAD compares: South Asian, 0.016%; no homozygotes.

Submission:

Labcorp Genetics (formerly Invitae), Labcorp
Classification: Uncertain significance for Periodic fever-infantile enterocolitis-autoinflammatory syndrome; Familial cold autoinflammatory syndrome 4. Last evaluated: 2025-02-24. Review status: criteria provided, single submitter. Criteria: Invitae Variant Classification Sherloc (09022015). Collection method: clinical testing. Allele origin: germline.
Comment: This sequence change replaces valine, which is neutral and non-polar, with methionine, which is neutral and non-polar, at codon 149 of the NLRC4 protein (p.Val149Met). This variant is present in population databases (rs572809664, gnomAD 0.006%). This variant has not been reported in the literature in individuals affected with NLRC4-related conditions. ClinVar contains an entry for this variant (Variation ID: 1039864). Invitae Evidence Modeling of protein sequence and biophysical properties (such as structural, functional, and spatial information, amino acid conservation, physicochemical variation, residue mobility, and thermodynamic stability) indicates that this missense variant is not expected to disrupt NLRC4 protein function with a negative predictive value of 80%. In summary, the available evidence is currently insufficient to determine the role of this variant in disease. Therefore, it has been classified as a Variant of Uncertain Significance.

NM_001199138.2(NLRC4):c.445G>A (p.Val149Met)

Gene: NLRC4 (NLR family CARD domain containing 4; minus strand). Cytogenetic location: 2p22.3.
Variant type: single nucleotide variant.
Coding change: c.445G>A on transcript NM_001199138.2 (MANE Select); coding-DNA position 445, G replaced by A.
Protein change: p.Val149Met; replaces valine 149 with methionine.
Molecular consequence: missense variant. On other transcripts: intron variant (1).
Genome position (GRCh38, 1-based): chr2:32,251,419, C>T on the plus strand (G>A on the coding strand, the complement: NLRC4 is on the minus strand). VCF-style: chr2-32251419-C-T. GRCh37 (hg19) VCF-style: chr2-32476488-C-T.
Other names: c.445G>A, p.Val149Met (NM_001199139.2, NM_021209.5); c.262+1000G>A (NM_001302504.1); short protein forms V149M.
Identifiers: ClinVar variation 1039864 (VCV001039864.9), dbSNP rs572809664, ClinGen allele CA1602141.